The following is an entry in ClinVar:

NM_015650.4(TRAF3IP1):c.710G>A (p.Arg237Lys)

Gene: TRAF3IP1 (TRAF3 interacting protein 1; plus strand). Cytogenetic location: 2q37.3.
Variant type: single nucleotide variant.
Coding change: c.710G>A on transcript NM_015650.4 (MANE Select); coding-DNA position 710, G replaced by A.
Protein change: p.Arg237Lys; replaces arginine 237 with lysine.
Molecular consequence: missense variant.
Genome position (GRCh38, 1-based): chr2:238,329,137, G>A. VCF-style: chr2-238329137-G-A. GRCh37 (hg19) VCF-style: chr2-239237778-G-A.
Other names: c.710G>A, p.Arg237Lys (NM_001139490.1); c.710G>A (NM_015650.3); short protein forms R237K.
Identifiers: ClinVar variation 1023100 (VCV001023100.11), dbSNP rs139198405, ClinGen allele CA2198118.

ClinVar aggregate classification (germline): Conflicting classifications of pathogenicity. Review status: criteria provided, conflicting classifications (1 of 4 stars). 2 submissions from 2 submitters: Uncertain significance (1); Likely benign (1). Last evaluated 2026-02-02.

Conditions:
Inborn genetic diseases. Identifiers: MedGen C0950123, MeSH D030342.

Allele frequency attached by ClinVar (database versions not stated): gnomAD exomes 0.00001 and 0.00003; ExAC 0.00009; gnomAD 0.00009 and 0.00010; TOPMed 0.00011; 1000 Genomes Project 30x 0.00016; ESP Exome Variant Server 0.00016; 1000 Genomes Project 0.00020.
gnomAD v4.1: 23 of 1,552,946 alleles (0.0015%); highest among the groups gnomAD compares: African/African-American, 0.029%; no homozygotes.

Submissions (2):

Labcorp Genetics (formerly Invitae), Labcorp
Classification: Uncertain significance. Last evaluated: 2026-02-02. Review status: criteria provided, single submitter. Criteria: Invitae Variant Classification Sherloc (09022015). Collection method: clinical testing. Allele origin: germline.
Comment: This sequence change replaces arginine, which is basic and polar, with lysine, which is basic and polar, at codon 237 of the TRAF3IP1 protein (p.Arg237Lys). This variant is present in population databases (rs139198405, gnomAD 0.03%). This variant has not been reported in the literature in individuals affected with TRAF3IP1-related conditions. ClinVar contains an entry for this variant (Variation ID: 1023100). Invitae Evidence Modeling of protein sequence and biophysical properties (such as structural, functional, and spatial information, amino acid conservation, physicochemical variation, residue mobility, and thermodynamic stability) indicates that this missense variant is not expected to disrupt TRAF3IP1 protein function with a negative predictive value of 80%. In summary, the available evidence is currently insufficient to determine the role of this variant in disease. Therefore, it has been classified as a Variant of Uncertain Significance.

Ambry Genetics
Classification: Likely benign for Inborn genetic diseases. Last evaluated: 2025-04-01. Review status: criteria provided, single submitter. Criteria: Ambry Variant Classification Scheme 2023. Collection method: clinical testing. Allele origin: germline.